The following is an entry in ClinVar:

ClinVar aggregate classification (germline): Benign (1 of 4 stars; one submission).

Conditions:
Cataract 14 multiple types. Also called: CATARACT 14, ZONULAR PULVERULENT; CATARACT 14, NUCLEAR PULVERULENT; CATARACT 14, NUCLEAR PULVERULENT AND POSTERIOR POLAR; CATARACT 14, NUCLEAR CORALLIFORM; CATARACT 14, EMBRYONAL NUCLEAR; CATARACT 14, COPPOCK-LIKE. Identifiers: Orphanet 91492, MedGen C1866078, MONDO:0011162, OMIM 601885.

Allele frequency attached by ClinVar (database versions not stated): 1000 Genomes Project 0.00539; gnomAD 0.00384 and 0.00367; 1000 Genomes Project 30x 0.00578; TOPMed 0.00380.

Submission:

Illumina Laboratory Services, Illumina
Classification: Benign for Cataract 14 multiple types. Last evaluated: 2018-01-13. Review status: criteria provided, single submitter. Criteria: ICSL Variant Classification Criteria 13 December 2019. Collection method: clinical testing. Allele origin: germline.
Comment: This variant was observed in the ICSL laboratory as part of a predisposition screen in an ostensibly healthy population. It had not been previously curated by ICSL or reported in the Human Gene Mutation Database (HGMD: prior to June 1st, 2018), and was therefore a candidate for classification through an automated scoring system. Utilizing variant allele frequency, disease prevalence and penetrance estimates, and inheritance mode, an automated score was calculated to assess if this variant is too frequent to cause the disease. Based on the score and internal cut-off values, a variant classified as benign is not then subjected to further curation. The score for this variant resulted in a classification of benign for this disease.

NM_021954.4(GJA3):c.*904G>T

Gene: GJA3 (gap junction protein alpha 3; minus strand). Cytogenetic location: 13q12.11.
Variant type: single nucleotide variant.
Coding change: c.*904G>T on transcript NM_021954.4 (MANE Select); 904 bases downstream of the stop codon, G replaced by T.
Molecular consequence: 3 prime UTR variant.
Genome position (GRCh38, 1-based): chr13:20,141,077, C>A on the plus strand (G>T on the coding strand, the complement: GJA3 is on the minus strand). VCF-style: chr13-20141077-C-A. GRCh37 (hg19) VCF-style: chr13-20715216-C-A.
Identifiers: ClinVar variation 311313 (VCV000311313.5), dbSNP rs148572505, ClinGen allele CA10642944.